The following is an entry in ClinVar:

ClinVar aggregate classification (germline): Likely benign. Review status: criteria provided, multiple submitters, no conflicts (2 of 4 stars). 2 submissions from 2 submitters: Likely benign (2). Last evaluated 2025-11-03.

Allele frequency attached by ClinVar (database versions not stated): gnomAD exomes 0.00002 and 0.00001; gnomAD 0.00007; TOPMed 0.00014; ExAC 0.00001; 1000 Genomes Project 30x 0.00016; 1000 Genomes Project 0.00020.
gnomAD v4.1: 20 of 1,613,282 alleles (0.0012%); highest among the groups gnomAD compares: Admixed American, 0.027%; no homozygotes.

Submissions (2):

Labcorp Genetics (formerly Invitae), Labcorp
Classification: Likely benign. Last evaluated: 2025-11-03. Review status: criteria provided, single submitter. Criteria: Invitae Variant Classification Sherloc (09022015). Collection method: clinical testing. Allele origin: germline.

CeGaT Center for Human Genetics Tuebingen
Classification: Likely benign. Last evaluated: 2023-03-01. Review status: criteria provided, single submitter. Criteria: CeGaT Center For Human Genetics Tuebingen Variant Classification Criteria Version 2. Collection method: clinical testing. Allele origin: germline. Affected: yes. Observed: 1 variant allele.
Comment: ERCC1: BP4, BP7

NM_001983.4(ERCC1):c.843+117C>T

Gene: ERCC1 (ERCC excision repair 1, endonuclease non-catalytic subunit; minus strand). Cytogenetic location: 19q13.32.
Variant type: single nucleotide variant.
Coding change: c.843+117C>T on transcript NM_001983.4 (MANE Select); 117 bases into the intron after coding-DNA position 843, C replaced by T.
Molecular consequence: intron variant. On other transcripts: synonymous variant (5).
Genome position (GRCh38, 1-based): chr19:45,413,560, G>A on the plus strand (C>T on the coding strand, the complement: ERCC1 is on the minus strand). VCF-style: chr19-45413560-G-A. GRCh37 (hg19) VCF-style: chr19-45916818-G-A.
Other names: c.960C>T, p.Gly320= (NM_001369408.1, NM_001369409.1, NM_202001.3); c.888C>T, p.Gly296= (NM_001369410.1, NM_001369411.1); c.843+117C>T (NM_001369412.1, NM_001369413.1, NM_001369414.1 and 2 more transcripts); c.771+117C>T (NM_001369417.1, NM_001369418.1, NM_001166049.2 and 1 more transcripts).
Identifiers: ClinVar variation 744038 (VCV000744038.31), dbSNP rs200865944, ClinGen allele CA9515250.